The following is an entry in ClinVar:

NM_001267550.2(TTN):c.94517C>G (p.Pro31506Arg)

Genes: TTN (titin; minus strand), TTN-AS1 (TTN antisense RNA 1; plus strand). Cytogenetic location: 2q31.2.
Variant type: single nucleotide variant.
Coding change: c.94517C>G on transcript NM_001267550.2 (MANE Select); coding-DNA position 94517, C replaced by G.
Protein change: p.Pro31506Arg; replaces proline 31506 with arginine.
Molecular consequence: missense variant.
Genome position (GRCh38, 1-based): chr2:178,547,008, G>C on the plus strand (C>G on the coding strand, the complement: TTN is on the minus strand). VCF-style: chr2-178547008-G-C. GRCh37 (hg19) VCF-style: chr2-179411735-G-C.
Other names: c.89594C>G, p.Pro29865Arg (NM_001256850.1); c.67322C>G, p.Pro22441Arg (NM_003319.4); c.86813C>G, p.Pro28938Arg (NM_133378.4); c.67697C>G, p.Pro22566Arg (NM_133432.3); c.67898C>G, p.Pro22633Arg (NM_133437.4); short protein forms P22441R, P22566R, P22633R, P28938R, P29865R, P31506R.
Identifiers: ClinVar variation 4085552 (VCV004085552.8).

ClinVar aggregate classification (germline): Uncertain significance (1 of 4 stars; one submission).

Submission:

CeGaT Center for Human Genetics Tuebingen
Classification: Uncertain significance. Last evaluated: 2025-07-01. Review status: criteria provided, single submitter. Criteria: CeGaT Center For Human Genetics Tuebingen Variant Classification Criteria Version 2. Collection method: clinical testing. Allele origin: germline. Affected: yes. Observed: 1 variant allele.
Comment: TTN: PM2, PP3